The following is an entry in ClinVar:

ClinVar aggregate classification (germline): Uncertain significance. Review status: criteria provided, multiple submitters, no conflicts (2 of 4 stars). 3 submissions from 3 submitters: Uncertain significance (2). 1 of the submissions does not count toward it. Last evaluated 2025-09-10.

Conditions:
COL9A3-related disorder. Also called: COL9A3-related condition.

Allele frequency attached by ClinVar (database versions not stated): gnomAD 0.00002 and 0.00003; TOPMed 0.00003; gnomAD exomes 0.00006; ExAC 0.00007.
gnomAD v4.1: 70 of 1,613,144 alleles (0.0043%); highest among the groups gnomAD compares: Middle Eastern, 0.016%; no homozygotes.

Submissions (3):

Labcorp Genetics (formerly Invitae), Labcorp
Classification: Uncertain significance. Last evaluated: 2025-09-10. Review status: criteria provided, single submitter. Criteria: Invitae Variant Classification Sherloc (09022015). Collection method: clinical testing. Allele origin: germline.
Comment: This sequence change replaces arginine, which is basic and polar, with glutamine, which is neutral and polar, at codon 555 of the COL9A3 protein (p.Arg555Gln). This variant is present in population databases (rs774501281, gnomAD 0.007%). This variant has not been reported in the literature in individuals affected with COL9A3-related conditions. ClinVar contains an entry for this variant (Variation ID: 339300). Invitae Evidence Modeling of protein sequence and biophysical properties (such as structural, functional, and spatial information, amino acid conservation, physicochemical variation, residue mobility, and thermodynamic stability) indicates that this missense variant is not expected to disrupt COL9A3 protein function with a negative predictive value of 95%. In summary, the available evidence is currently insufficient to determine the role of this variant in disease. Therefore, it has been classified as a Variant of Uncertain Significance.

Women's Health and Genetics/Laboratory Corporation of America, LabCorp
Classification: Uncertain significance. Last evaluated: 2024-08-07. Review status: criteria provided, single submitter. Criteria: LabCorp Variant Classification Summary - May 2015. Collection method: clinical testing. Allele origin: germline.
Comment: Variant summary: COL9A3 c.1664G>A (p.Arg555Gln) results in a conservative amino acid change in the encoded protein sequence. Four of five in-silico tools predict a damaging effect of the variant on protein function. The variant allele was found at a frequency of 5.6e-05 in 250006 control chromosomes. This frequency is not significantly higher than estimated for a pathogenic variant in COL9A3 causing Epiphyseal Dysplasia, Multiple, 3, allowing no conclusion about variant significance. To our knowledge, no occurrence of c.1664G>A in individuals affected with Epiphyseal Dysplasia, Multiple, 3 and no experimental evidence demonstrating its impact on protein function have been reported. ClinVar contains an entry for this variant (Variation ID: 339300). Based on the evidence outlined above, the variant was classified as uncertain significance.

PreventionGenetics, part of Exact Sciences
Classification: Uncertain significance for COL9A3-related condition. Last evaluated: 2024-06-27. Review status: no assertion criteria provided. Collection method: clinical testing. Allele origin: germline. Not counted in ClinVar's aggregate classification.
Comment: The COL9A3 c.1664G>A variant is predicted to result in the amino acid substitution p.Arg555Gln. To our knowledge, this variant has not been reported in the literature. This variant is reported in 0.0078% of alleles in individuals of European (Non-Finnish) descent in gnomAD. At this time, the clinical significance of this variant is uncertain due to the absence of conclusive functional and genetic evidence.

NM_001853.4(COL9A3):c.1664G>A (p.Arg555Gln)

Gene: COL9A3 (collagen type IX alpha 3 chain; plus strand). Cytogenetic location: 20q13.33.
Variant type: single nucleotide variant.
Coding change: c.1664G>A on transcript NM_001853.4 (MANE Select); coding-DNA position 1664, G replaced by A.
Protein change: p.Arg555Gln; replaces arginine 555 with glutamine.
Molecular consequence: missense variant.
Genome position (GRCh38, 1-based): chr20:62,837,143, G>A. VCF-style: chr20-62837143-G-A. GRCh37 (hg19) VCF-style: chr20-61468495-G-A.
Other names: c.1664G>A, p.Arg555Gln (LRG_1253t1); short protein forms R555Q.
Identifiers: ClinVar variation 339300 (VCV000339300.10), dbSNP rs774501281, ClinGen allele CA9950136.